The following is an entry in ClinVar:

NM_000256.3(MYBPC3):c.2108A>G (p.Glu703Gly)

Gene: MYBPC3 (myosin binding protein C3; minus strand). Cytogenetic location: 11p11.2.
Variant type: single nucleotide variant.
Coding change: c.2108A>G on transcript NM_000256.3 (MANE Select); coding-DNA position 2108, A replaced by G.
Protein change: p.Glu703Gly; replaces glutamic acid 703 with glycine.
Molecular consequence: missense variant.
Genome position (GRCh38, 1-based): chr11:47,339,364, T>C on the plus strand (A>G on the coding strand, the complement: MYBPC3 is on the minus strand). VCF-style: chr11-47339364-T-C. GRCh37 (hg19) VCF-style: chr11-47360915-T-C.
Other names: short protein forms E703G.
Identifiers: ClinVar variation 1353518 (VCV001353518.8), dbSNP rs2142857303, ClinGen allele CA380320975.

ClinVar aggregate classification (germline): Uncertain significance (1 of 4 stars; one submission).

Conditions:
Hypertrophic cardiomyopathy. Also called: HYPERTROPHIC MYOCARDIOPATHY. Identifiers: Orphanet 217569, MedGen C0007194, MeSH D002312, MONDO:0005045, HP:0001639.

Submission:

Labcorp Genetics (formerly Invitae), Labcorp
Classification: Uncertain significance for Hypertrophic cardiomyopathy. Last evaluated: 2021-05-13. Review status: criteria provided, single submitter. Criteria: Invitae Variant Classification Sherloc (09022015). Collection method: clinical testing. Allele origin: germline.
Comment: This variant has not been reported in the literature in individuals with MYBPC3-related conditions. In summary, the available evidence is currently insufficient to determine the role of this variant in disease. Therefore, it has been classified as a Variant of Uncertain Significance. Algorithms developed to predict the effect of missense changes on protein structure and function output the following: SIFT: "Tolerated"; PolyPhen-2: "Benign"; Align-GVGD: "Class C0". The glycine amino acid residue is found in multiple mammalian species, suggesting that this missense change does not adversely affect protein function. These predictions have not been confirmed by published functional studies and their clinical significance is uncertain. This variant is not present in population databases (ExAC no frequency). This sequence change replaces glutamic acid with glycine at codon 703 of the MYBPC3 protein (p.Glu703Gly). The glutamic acid residue is moderately conserved and there is a moderate physicochemical difference between glutamic acid and glycine.